The following is an entry in ClinVar:

NM_015450.3(POT1):c.823A>G (p.Ile275Val)

Gene: POT1 (protection of telomeres 1; minus strand). Cytogenetic location: 7q31.33.
Variant type: single nucleotide variant.
Coding change: c.823A>G on transcript NM_015450.3 (MANE Select); coding-DNA position 823, A replaced by G.
Protein change: p.Ile275Val; replaces isoleucine 275 with valine.
Molecular consequence: missense variant. On other transcripts: non-coding transcript variant (3).
Genome position (GRCh38, 1-based): chr7:124,853,018, T>C on the plus strand (A>G on the coding strand, the complement: POT1 is on the minus strand). VCF-style: chr7-124853018-T-C. GRCh37 (hg19) VCF-style: chr7-124493072-T-C.
Other names: c.430A>G, p.Ile144Val (NM_001042594.2); short protein forms I275V, I144V.
Identifiers: ClinVar variation 657398 (VCV000657398.14), dbSNP rs1584765612, ClinGen allele CA369055330.

ClinVar aggregate classification (germline): Uncertain significance. Review status: criteria provided, multiple submitters, no conflicts (2 of 4 stars). 3 submissions from 3 submitters: Uncertain significance (3). Last evaluated 2023-12-11.

Conditions:
Hereditary cancer-predisposing syndrome. Also called: Tumor predisposition; Neoplastic Syndromes, Hereditary; Hereditary Cancer Syndrome; Hereditary neoplastic syndrome. Identifiers: Orphanet 140162, MedGen C0027672, MeSH D009386, MONDO:0015356.
Tumor predisposition syndrome 3 (TPDS3). Also called: Melanoma, cutaneous malignant, susceptibility to, 10; Glioma susceptibility 9; LONG TELOMERE SYNDROME, POT1-RELATED; POT1 Tumor Predisposition. Identifiers: Orphanet 618, MedGen C4014476, MONDO:0014368, OMIM 615848.

Allele frequency attached by ClinVar (database versions not stated): gnomAD exomes below 0.00001.
gnomAD v4.1: 1 of 1,613,590 alleles (0.000062%); highest among the groups gnomAD compares: Non-Finnish European, 0.000085%; no homozygotes.

Submissions (3):

Ambry Genetics
Classification: Uncertain significance for Hereditary cancer-predisposing syndrome. Last evaluated: 2023-12-11. Review status: criteria provided, single submitter. Criteria: Ambry Variant Classification Scheme 2023. Collection method: clinical testing. Allele origin: germline.
Comment: The p.I275V variant (also known as c.823A>G), located in coding exon 6 of the POT1 gene, results from an A to G substitution at nucleotide position 823. The isoleucine at codon 275 is replaced by valine, an amino acid with highly similar properties. This amino acid position is highly conserved in available vertebrate species. In addition, this alteration is predicted to be tolerated by in silico analysis. Since supporting evidence is limited at this time, the clinical significance of this alteration remains unclear.

GeneDx
Classification: Uncertain significance. Last evaluated: 2023-01-26. Review status: criteria provided, single submitter. Criteria: GeneDx Variant Classification Process June 2021. Collection method: clinical testing. Allele origin: germline. Affected: yes.
Comment: Not observed at significant frequency in large population cohorts (gnomAD); In silico analysis supports that this missense variant does not alter protein structure/function; Has not been previously published as pathogenic or benign to our knowledge; This variant is associated with the following publications: (PMID: 28393830)

Labcorp Genetics (formerly Invitae), Labcorp
Classification: Uncertain significance for Tumor predisposition syndrome 3. Last evaluated: 2018-09-20. Review status: criteria provided, single submitter. Criteria: Invitae Variant Classification Sherloc (09022015). Collection method: clinical testing. Allele origin: germline.
Comment: In summary, the available evidence is currently insufficient to determine the role of this variant in disease. Therefore, it has been classified as a Variant of Uncertain Significance. Algorithms developed to predict the effect of missense changes on protein structure and function are either unavailable or do not agree on the potential impact of this missense change (SIFT: "Deleterious"; PolyPhen-2: "Benign"; Align-GVGD: "Class C25"). This variant has not been reported in the literature in individuals with POT1-related disease. This variant is not present in population databases (ExAC no frequency). This sequence change replaces isoleucine with valine at codon 275 of the POT1 protein (p.Ile275Val). The isoleucine residue is highly conserved and there is a small physicochemical difference between isoleucine and valine.